The following is an entry in ClinVar:

ClinVar aggregate classification (germline): Uncertain significance (1 of 4 stars; one submission).

Conditions:
Chuvash polycythemia. Also called: POLYCYTHEMIA, VHL-DEPENDENT. Identifiers: Orphanet 238557, MedGen C1837915, MONDO:0009892, OMIM 263400.
Von Hippel-Lindau syndrome (VHLS). Also called: Von Hippel-Lindau; von Hippel–Lindau syndrome; VHL syndrome. Identifiers: Orphanet 892, MedGen C0019562, MONDO:0008667, OMIM 193300. Disease mechanism: loss of function.

Allele frequency attached by ClinVar (database versions not stated): TOPMed 0.00001.

Submission:

Labcorp Genetics (formerly Invitae), Labcorp
Classification: Uncertain significance for Von Hippel-Lindau syndrome; Chuvash polycythemia. Last evaluated: 2024-03-28. Review status: criteria provided, single submitter. Criteria: Invitae Variant Classification Sherloc (09022015). Collection method: clinical testing. Allele origin: germline.
Comment: This sequence change falls in intron 1 of the VHL gene. It is not expected to change the encoded amino acid sequence of the VHL protein. However, this sequence change falls within a cryptic exon in the VHL gene, known as exon E1’, which is naturally expressed at low levels in several human tissues (PMID: 29891534). This variant is not present in population databases (gnomAD no frequency). This variant has not been reported in the literature in individuals affected with VHL-related conditions. ClinVar contains an entry for this variant (Variation ID: 1523045). Algorithms developed to predict the effect of sequence changes on RNA splicing suggest that this variant is not likely to affect RNA splicing. In summary, the available evidence is currently insufficient to determine the role of this variant in disease. Therefore, it has been classified as a Variant of Uncertain Significance.

Literature cited by the submitters: PubMed 29891534.

NM_000551.4(VHL):c.340+663C>T

Genes: VHL (von Hippel-Lindau tumor suppressor; plus strand), LOC107303340 (3p25 von Hippel-Lindau tumor suppressor, E3 ubiquitin protein ligase Alu-mediated recombination region; plus strand). Cytogenetic location: 3p25.3.
Variant type: single nucleotide variant.
Coding change: c.340+663C>T on transcript NM_000551.4 (MANE Select); 663 bases into the intron after coding-DNA position 340, C replaced by T.
Molecular consequence: intron variant. On other transcripts: missense variant (1).
Genome position (GRCh38, 1-based): chr3:10,142,850, C>T. VCF-style: chr3-10142850-C-T. GRCh37 (hg19) VCF-style: chr3-10184534-C-T.
Other names: c.428C>T, p.Thr143Ile (NM_001354723.2); c.340+663C>T (NM_198156.3); short protein forms T143I.
Identifiers: ClinVar variation 1523045 (VCV001523045.8), dbSNP rs1272443616, ClinGen allele CA896160255.